The following is an entry in ClinVar:

ClinVar aggregate classification (germline): Uncertain significance (1 of 4 stars; one submission).

Conditions:
Inborn genetic diseases. Identifiers: MedGen C0950123, MeSH D030342.

Submission:

Ambry Genetics
Classification: Uncertain significance for Inborn genetic diseases. Last evaluated: 2025-10-08. Review status: criteria provided, single submitter. Criteria: Ambry Variant Classification Scheme 2023. Collection method: clinical testing. Allele origin: germline.
Comment: The p.L245M variant (also known as c.733T>A), located in coding exon 6 of the FANCG gene, results from a T to A substitution at nucleotide position 733. The leucine at codon 245 is replaced by methionine, an amino acid with highly similar properties. This amino acid position is conserved. In addition, this alteration is predicted to be tolerated by in silico analysis. Based on the available evidence, the clinical significance of this variant remains unclear.

NM_004629.2(FANCG):c.733T>A (p.Leu245Met)

Gene: FANCG (FA complementation group G; minus strand). Cytogenetic location: 9p13.3.
Variant type: single nucleotide variant.
Coding change: c.733T>A on transcript NM_004629.2 (MANE Select); coding-DNA position 733, T replaced by A.
Protein change: p.Leu245Met; replaces leucine 245 with methionine.
Molecular consequence: missense variant.
Genome position (GRCh38, 1-based): chr9:35,077,015, A>T on the plus strand (T>A on the coding strand, the complement: FANCG is on the minus strand). VCF-style: chr9-35077015-A-T. GRCh37 (hg19) VCF-style: chr9-35077012-A-T.
Other names: short protein forms L245M.
Identifiers: ClinVar variation 4619362 (VCV004619362.1).